The following is an entry in ClinVar:

ClinVar aggregate classification (germline): Uncertain significance. Review status: criteria provided, multiple submitters, no conflicts (2 of 4 stars). 6 submissions from 6 submitters: Uncertain significance (6). Last evaluated 2025-11-12.

Conditions:
Classic or attenuated familial adenomatous polyposis. Identifiers: MedGen CN372698, MONDO:0021057.
Hereditary cancer-predisposing syndrome. Also called: Neoplastic Syndromes, Hereditary; Hereditary neoplastic syndrome; Tumor predisposition; Hereditary Cancer Syndrome. Identifiers: Orphanet 140162, MedGen C0027672, MeSH D009386, MONDO:0015356.
Familial adenomatous polyposis 1 (FAP1). Also called: FAMILIAL ADENOMATOUS POLYPOSIS 1, ATTENUATED; POLYPOSIS, ADENOMATOUS INTESTINAL. Identifiers: MedGen C2713442, MONDO:0021056, OMIM 175100. Disease mechanism: loss of function.

Submissions (6):

Ambry Genetics
Classification: Uncertain significance for Hereditary cancer-predisposing syndrome. Last evaluated: 2025-11-12. Review status: criteria provided, single submitter. Criteria: Ambry Variant Classification Scheme 2023. Collection method: clinical testing. Allele origin: germline.

Color Diagnostics, LLC DBA Color Health
Classification: Uncertain significance for Hereditary cancer-predisposing syndrome. Last evaluated: 2024-03-11. Review status: criteria provided, single submitter. Criteria: ACMG Guidelines, 2015. Collection method: clinical testing. Allele origin: germline.
Comment: This missense variant replaces glycine with serine at codon 400 of the APC protein. Computational prediction suggests that this variant may not impact protein structure and function (internally defined REVEL score threshold <= 0.5, PMID: 27666373). To our knowledge, functional studies have not been reported for this variant. This variant has been reported in an individual affected with colorectal cancer (PMID: 29245953). This variant has not been identified in the general population by the Genome Aggregation Database (gnomAD). The available evidence is insufficient to determine the role of this variant in disease conclusively. Therefore, this variant is classified as a Variant of Uncertain Significance.

Labcorp Genetics (formerly Invitae), Labcorp
Classification: Uncertain significance for Familial adenomatous polyposis 1. Last evaluated: 2023-09-22. Review status: criteria provided, single submitter. Criteria: Invitae Variant Classification Sherloc (09022015). Collection method: clinical testing. Allele origin: germline.
Comment: In summary, the available evidence is currently insufficient to determine the role of this variant in disease. Therefore, it has been classified as a Variant of Uncertain Significance. Advanced modeling of protein sequence and biophysical properties (such as structural, functional, and spatial information, amino acid conservation, physicochemical variation, residue mobility, and thermodynamic stability) performed at Invitae indicates that this missense variant is not expected to disrupt APC protein function. ClinVar contains an entry for this variant (Variation ID: 619607). This variant has not been reported in the literature in individuals affected with APC-related conditions. This variant is not present in population databases (gnomAD no frequency). This sequence change replaces glycine, which is neutral and non-polar, with serine, which is neutral and polar, at codon 400 of the APC protein (p.Gly400Ser).

Baylor Genetics
Classification: Uncertain significance for Familial adenomatous polyposis 1. Last evaluated: 2023-09-07. Review status: criteria provided, single submitter. Criteria: ACMG Guidelines, 2015. Collection method: clinical testing. Allele origin: unknown.

All of Us Research Program, National Institutes of Health
Classification: Uncertain significance for Classic or attenuated familial adenomatous polyposis. Last evaluated: 2023-06-26. Review status: criteria provided, single submitter. Criteria: ACMG Guidelines, 2015. Collection method: clinical testing. Allele origin: germline. Inheritance: Autosomal dominant inheritance. Observed: 1 variant allele, 1 heterozygote.
Comment: This missense variant replaces glycine with serine at codon 400 of the APC protein. Computational prediction suggests that this variant may not impact protein structure and function (internally defined REVEL score threshold <= 0.5, PMID: 27666373). To our knowledge, functional studies have not been reported for this variant. This variant has been reported in an individual affected with colorectal cancer (PMID: 29245953). This variant has not been identified in the general population by the Genome Aggregation Database (gnomAD). The available evidence is insufficient to determine the role of this variant in disease conclusively. Therefore, this variant is classified as a Variant of Uncertain Significance.

This study involves interpretation of variants in research participants for the purpose of population health screening. Participant phenotype was not available at the time of variant classification. Additional details can be found in publication PMID: 35346344, PMCID: PMC8962531

Quest Diagnostics Nichols Institute San Juan Capistrano
Classification: Uncertain significance. Last evaluated: 2018-01-05. Review status: criteria provided, single submitter. Criteria: Quest Diagnostics criteria. Collection method: clinical testing. Allele origin: germline.

Literature cited by the submitters: PubMed 29245953 (cited by Color Diagnostics, LLC DBA Color Health and All of Us Research Program, National Institutes of Health).

NM_000038.6(APC):c.1198G>A (p.Gly400Ser)

Gene: APC (APC regulator of Wnt signaling pathway; plus strand). Cytogenetic location: 5q22.2.
Variant type: single nucleotide variant.
Coding change: c.1198G>A on transcript NM_000038.6 (MANE Select); coding-DNA position 1198, G replaced by A.
Protein change: p.Gly400Ser; replaces glycine 400 with serine.
Molecular consequence: missense variant. On other transcripts: intron variant (4).
Genome position (GRCh38, 1-based): chr5:112,819,230, G>A. VCF-style: chr5-112819230-G-A. GRCh37 (hg19) VCF-style: chr5-112154927-G-A.
Other names: c.1198G>A, p.Gly400Ser (NM_001127510.3, NM_001354895.2, NM_001354896.2); c.1144G>A, p.Gly382Ser (NM_001127511.3); c.1228G>A, p.Gly410Ser (NM_001354897.2); c.1123G>A, p.Gly375Ser (NM_001354898.2); c.1114G>A, p.Gly372Ser (NM_001354899.2); c.1021G>A, p.Gly341Ser (NM_001354900.2, NM_001354901.2); c.349G>A, p.Gly117Ser (NM_001354906.2); c.964-39G>A (NM_001354902.2); and 3 more; short protein forms G382S, G400S, G375S, G372S, G410S, G117S, G341S.
Identifiers: ClinVar variation 619607 (VCV000619607.19), dbSNP rs1561541770, ClinGen allele CA16023928.